The following is an entry in ClinVar:

NM_138694.4(PKHD1):c.9079_9080dup (p.Ile3028fs)

Gene: PKHD1 (PKHD1 ciliary IPT domain containing fibrocystin/polyductin; minus strand). Cytogenetic location: 6p12.3.
Variant type: Duplication.
Coding change: c.9079_9080dup on transcript NM_138694.4 (MANE Select); coding-DNA positions 9079 to 9080, 2 bases duplicated (GG; older notation c.9079_9080dupGG).
Protein change: p.Ile3028fs; shifts the reading frame from isoleucine 3028.
Molecular consequence: frameshift variant.
Genome position (GRCh38, 1-based): chr6:51,748,536-51,748,537, CC duplicated on the plus strand (GG on the coding strand, the reverse complement: PKHD1 is on the minus strand); duplicating any 2 consecutive bases within chr6:51,748,536-51,748,540 gives the same sequence; the c. name uses the placement nearest the transcript's 3' end. VCF-style (leftmost placement, unchanged base first): chr6-51748535-G-GCC. GRCh37 (hg19) VCF-style: chr6-51613333-G-GCC.
Other names: c.9079_9080dup, p.Ile3028fs (NM_170724.3); short protein forms I3028fs.
Identifiers: ClinVar variation 4816791 (VCV004816791.1).

ClinVar aggregate classification (germline): Likely pathogenic (1 of 4 stars; one submission).

Conditions:
Autosomal recessive polycystic kidney disease (ARPKD). Also called: AR polycystic kidney disease. Identifiers: Orphanet 731, Orphanet 8378, MedGen C0085548, MeSH D017044, MONDO:0009889.

Submission:

Natera, Inc.
Classification: Likely pathogenic for Autosomal recessive polycystic kidney disease. Last evaluated: 2024-08-12. Review status: criteria provided, single submitter. Criteria: Natera Variant Classification Schema (03/2026). Collection method: clinical testing. Allele origin: germline.
Comment: The c.9079_9080dup variant in PKHD1 is a frameshift variant predicted to shift the reading frame beginning at codon 3028 and leads to a stop codon 12 codons downstream. This variant is expected to result in nonsense mediated decay, truncation, or a dysfunctional protein product. This variant is rare in the general population with a frequency below the threshold expected for the associated phenotype(s). Given the available evidence, this variant is classified as Likely Pathogenic.